The following is an entry in ClinVar:

NM_015698.6(GPKOW):c.152C>T (p.Thr51Ile)

Gene: GPKOW (G-patch domain and KOW motifs; minus strand). Cytogenetic location: Xp11.23.
Variant type: single nucleotide variant.
Coding change: c.152C>T on transcript NM_015698.6 (MANE Select); coding-DNA position 152, C replaced by T.
Protein change: p.Thr51Ile; replaces threonine 51 with isoleucine.
Molecular consequence: missense variant.
Genome position (GRCh38, 1-based): chrX:49,123,571, G>A on the plus strand (C>T on the coding strand, the complement: GPKOW is on the minus strand). VCF-style: chrX-49123571-G-A. GRCh37 (hg19) VCF-style: chrX-48979921-G-A.
Other names: short protein forms T51I.
Identifiers: ClinVar variation 2660511 (VCV002660511.24), dbSNP rs150597848, ClinGen allele CA10408925.
Genomic context (GRCh38, chrX:49,123,571, plus strand): 5'-AGAGATTTCCAAGGGGTGAAAGACCCGGCGCGTCACCTCTGCAGCTCCCTCCCTTCCACG[G>A]TTTTCAAGAAATCCTTCTCCTCCGGAGATGGCCCCGCGCCGTCTCCCGAGTCGGCCAGCC-3'
Protein context (NP_056513.2, residues 41-61): PSPEEKDFLK[Thr51Ile]VEGRELQSVK

ClinVar aggregate classification (germline): Likely benign (1 of 4 stars; one submission).

Allele frequency attached by ClinVar (database versions not stated): gnomAD 0.00022; TOPMed 0.00022; gnomAD exomes 0.00030; ExAC 0.00049; 1000 Genomes Project 30x 0.00083; 1000 Genomes Project 0.00106.

Submission:

CeGaT Center for Human Genetics Tuebingen
Classification: Likely benign. Last evaluated: 2022-10-01. Review status: criteria provided, single submitter. Criteria: CeGaT Center For Human Genetics Tuebingen Variant Classification Criteria Version 2. Collection method: clinical testing. Allele origin: germline. Affected: yes. Observed: 1 variant allele.
Comment: GPKOW: BS2